The following is an entry in ClinVar:

ClinVar aggregate classification (germline): Uncertain significance. Review status: criteria provided, multiple submitters, no conflicts (2 of 4 stars). 6 submissions from 6 submitters: Uncertain significance (6). Last evaluated 2025-12-02.

Conditions:
Hereditary cancer-predisposing syndrome. Also called: Tumor predisposition; Neoplastic Syndromes, Hereditary; Hereditary Cancer Syndrome; Hereditary neoplastic syndrome. Identifiers: Orphanet 140162, MedGen C0027672, MeSH D009386, MONDO:0015356.
Familial adenomatous polyposis 1 (FAP1). Also called: FAMILIAL ADENOMATOUS POLYPOSIS 1, ATTENUATED; POLYPOSIS, ADENOMATOUS INTESTINAL. Identifiers: MedGen C2713442, MONDO:0021056, OMIM 175100. Disease mechanism: loss of function.
Classic or attenuated familial adenomatous polyposis. Identifiers: MedGen CN372698, MONDO:0021057.

Allele frequency attached by ClinVar (database versions not stated): gnomAD exomes below 0.00001; TOPMed 0.00001.
gnomAD v4.1: 2 of 1,614,154 alleles (0.00012%); highest among the groups gnomAD compares: Non-Finnish European, 0.00017%; no homozygotes.

Submissions (6):

Ambry Genetics
Classification: Uncertain significance for Hereditary cancer-predisposing syndrome. Last evaluated: 2025-12-02. Review status: criteria provided, single submitter. Criteria: Ambry Variant Classification Scheme 2023. Collection method: clinical testing. Allele origin: germline.
Comment: The p.N1012S variant (also known as c.3035A>G), located in coding exon 15 of the APC gene, results from an A to G substitution at nucleotide position 3035. The asparagine at codon 1012 is replaced by serine, an amino acid with highly similar properties. This amino acid position is conserved. In addition, in silico predictors for this gene do not accurately predict pathogenicity. Since supporting evidence is limited at this time, the clinical significance of this alteration remains unclear.

GeneDx
Classification: Uncertain significance. Last evaluated: 2024-12-15. Review status: criteria provided, single submitter. Criteria: GeneDx Variant Classification Process June 2021. Collection method: clinical testing. Allele origin: germline. Affected: yes.
Comment: Not observed at significant frequency in large population cohorts (gnomAD); In silico analysis indicates that this missense variant does not alter protein structure/function; Has not been previously published as pathogenic or benign to our knowledge

Baylor Genetics
Classification: Uncertain significance for Familial adenomatous polyposis 1. Last evaluated: 2024-03-17. Review status: criteria provided, single submitter. Criteria: ACMG Guidelines, 2015. Collection method: clinical testing. Allele origin: unknown.

All of Us Research Program, National Institutes of Health
Classification: Uncertain significance for Classic or attenuated familial adenomatous polyposis. Last evaluated: 2023-10-06. Review status: criteria provided, single submitter. Criteria: ACMG Guidelines, 2015. Collection method: clinical testing. Allele origin: germline. Inheritance: Autosomal dominant inheritance. Observed: 1 variant allele, 1 heterozygote.
Comment: This missense variant replaces asparagine with serine at codon 1012 of the APC protein. Computational prediction is inconclusive regarding the impact of this variant on protein structure and function (internally defined REVEL score threshold 0.5 < inconclusive < 0.7, PMID: 27666373). To our knowledge, functional studies have not been reported for this variant. This variant has not been reported in individuals affected with APC-related disorders in the literature. This variant has been identified in 1/251190 chromosomes in the general population by the Genome Aggregation Database (gnomAD). The available evidence is insufficient to determine the role of this variant in disease conclusively. Therefore, this variant is classified as a Variant of Uncertain Significance.

This study involves interpretation of variants in research participants for the purpose of population health screening. Participant phenotype was not available at the time of variant classification. Additional details can be found in publication PMID: 35346344, PMCID: PMC8962531

Labcorp Genetics (formerly Invitae), Labcorp
Classification: Uncertain significance for Familial adenomatous polyposis 1. Last evaluated: 2023-07-19. Review status: criteria provided, single submitter. Criteria: Invitae Variant Classification Sherloc (09022015). Collection method: clinical testing. Allele origin: germline.
Comment: This sequence change replaces asparagine, which is neutral and polar, with serine, which is neutral and polar, at codon 1012 of the APC protein (p.Asn1012Ser). This variant is present in population databases (no rsID available, gnomAD 0.0009%). This variant has not been reported in the literature in individuals affected with APC-related conditions. ClinVar contains an entry for this variant (Variation ID: 642014). Advanced modeling of protein sequence and biophysical properties (such as structural, functional, and spatial information, amino acid conservation, physicochemical variation, residue mobility, and thermodynamic stability) performed at Invitae indicates that this missense variant is not expected to disrupt APC protein function. In summary, the available evidence is currently insufficient to determine the role of this variant in disease. Therefore, it has been classified as a Variant of Uncertain Significance.

Blueprint Genetics
Classification: Uncertain significance. Last evaluated: 2017-10-13. Review status: criteria provided, single submitter. Criteria: ACMG Guidelines, 2015. Collection method: clinical testing. Allele origin: germline.

NM_000038.6(APC):c.3035A>G (p.Asn1012Ser)

Gene: APC (APC regulator of Wnt signaling pathway; plus strand). Cytogenetic location: 5q22.2.
Variant type: single nucleotide variant.
Coding change: c.3035A>G on transcript NM_000038.6 (MANE Select); coding-DNA position 3035, A replaced by G.
Protein change: p.Asn1012Ser; replaces asparagine 1012 with serine.
Molecular consequence: missense variant.
Genome position (GRCh38, 1-based): chr5:112,838,629, A>G. VCF-style: chr5-112838629-A-G. GRCh37 (hg19) VCF-style: chr5-112174326-A-G.
Other names: c.3035A>G, p.Asn1012Ser (NM_001127510.3, NM_001354895.2); c.2981A>G, p.Asn994Ser (NM_001127511.3); c.3089A>G, p.Asn1030Ser (NM_001354896.2); c.3065A>G, p.Asn1022Ser (NM_001354897.2); c.2960A>G, p.Asn987Ser (NM_001354898.2); c.2951A>G, p.Asn984Ser (NM_001354899.2); c.2912A>G, p.Asn971Ser (NM_001354900.2); c.2858A>G, p.Asn953Ser (NM_001354901.2); and 5 more; short protein forms N1012S, N1022S, N886S, N911S, N953S, N984S, N987S, N1030S.
Identifiers: ClinVar variation 642014 (VCV000642014.18), dbSNP rs1420016889, ClinGen allele CA16027971.
Genomic context (GRCh38, chr5:112,838,629, plus strand): 5'-GTAAGTTTTGCAGTTATGGTCAATACCCAGCCGACCTAGCCCATAAAATACATAGTGCAA[A>G]TCATATGGATGATAATGATGGAGAACTAGATACACCAATAAATTATAGTCTTAAATATTC-3'
Protein context (NP_000029.2, residues 1002-1022): ADLAHKIHSA[Asn1012Ser]HMDDNDGELD